The following is an entry in ClinVar:

NM_032730.5(RTN4IP1):c.587G>C (p.Gly196Ala)

Gene: RTN4IP1 (reticulon 4 interacting protein 1; minus strand). Cytogenetic location: 6q21.
Variant type: single nucleotide variant.
Coding change: c.587G>C on transcript NM_032730.5 (MANE Select); coding-DNA position 587, G replaced by C.
Protein change: p.Gly196Ala; replaces glycine 196 with alanine.
Molecular consequence: missense variant.
Genome position (GRCh38, 1-based): chr6:106,619,235, C>G on the plus strand (G>C on the coding strand, the complement: RTN4IP1 is on the minus strand). VCF-style: chr6-106619235-C-G. GRCh37 (hg19) VCF-style: chr6-107067110-C-G.
Other names: c.287G>C, p.Gly96Ala (NM_001318746.1); short protein forms G96A, G196A.
Identifiers: ClinVar variation 1416400 (VCV001416400.4), dbSNP rs1346860531, ClinGen allele CA365163414.

ClinVar aggregate classification (germline): Uncertain significance (1 of 4 stars; one submission).

Allele frequency attached by ClinVar (database versions not stated): gnomAD exomes below 0.00001 and 0.00001; TOPMed 0.00001.
gnomAD v4.1: 9 of 1,614,196 alleles (0.00056%); highest among the groups gnomAD compares: South Asian, 0.0011%; no homozygotes.

Submission:

Labcorp Genetics (formerly Invitae), Labcorp
Classification: Uncertain significance. Last evaluated: 2022-06-05. Review status: criteria provided, single submitter. Criteria: Invitae Variant Classification Sherloc (09022015). Collection method: clinical testing. Allele origin: germline.
Comment: This variant is present in population databases (no rsID available, gnomAD 0.003%). This sequence change replaces glycine, which is neutral and non-polar, with alanine, which is neutral and non-polar, at codon 196 of the RTN4IP1 protein (p.Gly196Ala). This variant has not been reported in the literature in individuals affected with RTN4IP1-related conditions. In summary, the available evidence is currently insufficient to determine the role of this variant in disease. Therefore, it has been classified as a Variant of Uncertain Significance. Algorithms developed to predict the effect of missense changes on protein structure and function are either unavailable or do not agree on the potential impact of this missense change (SIFT: "Tolerated"; PolyPhen-2: "Possibly Damaging"; Align-GVGD: "Class C0"). ClinVar contains an entry for this variant (Variation ID: 1416400).